The following is an entry in ClinVar:

NM_000213.5(ITGB4):c.4709-8C>A

Genes: GALK1 (galactokinase 1; minus strand), ITGB4 (integrin subunit beta 4; plus strand). Cytogenetic location: 17q25.1.
Variant type: single nucleotide variant.
Coding change: c.4709-8C>A on transcript NM_000213.5 (MANE Select); 8 bases into the intron before coding-DNA position 4709, C replaced by A.
Molecular consequence: intron variant.
Genome position (GRCh38, 1-based): chr17:75,756,421, C>A. VCF-style: chr17-75756421-C-A. GRCh37 (hg19) VCF-style: chr17-73752502-C-A.
Other names: c.4658-8C>A (NM_001005619.2); c.4499-8C>A (NM_001005731.3, NM_001321123.2); c.4349-8C>A (NM_001438834.1); c.*22+1613G>T (NM_001381985.1); c.4709-8C>A (NM_000213.4).
Identifiers: ClinVar variation 1211557 (VCV001211557.12), dbSNP rs371797130, ClinGen allele CA8770296.

ClinVar aggregate classification (germline): Conflicting classifications of pathogenicity. Review status: criteria provided, conflicting classifications (1 of 4 stars). 4 submissions from 4 submitters: Uncertain significance (2); Likely benign (1). 1 of the submissions does not count toward it. Last evaluated 2025-10-08.

Conditions:
Epidermolysis bullosa, junctional 5A, intermediate. Also called: EPIDERMOLYSIS BULLOSA, JUNCTIONAL 5A, GENERALIZED INTERMEDIATE; EPIDERMOLYSIS BULLOSA, JUNCTIONAL 5A, NON-HERLITZ TYPE. Identifiers: MedGen C5676956, MONDO:0030768, OMIM 619816.
Junctional epidermolysis bullosa with pyloric atresia. Also called: APLASIA CUTIS CONGENITA WITH GASTROINTESTINAL ATRESIA; CARMI SYNDROME; EB-PA-ACC; ITGB4-Related Epidermolysis Bullosa with Pyloric Atresia; EPIDERMOLYSIS BULLOSA, JUNCTIONAL 5B, WITH PYLORIC ATRESIA; Epidermolysis bullosa, junctional, with pyloric atresia and aplasia cutis congenita. Identifiers: Orphanet 79403, MedGen C5676875, MONDO:0009183, OMIM 226730.
ITGB4-related disorder. Also called: ITGB4-related condition.

Allele frequency attached by ClinVar (database versions not stated): TOPMed 0.00005; ESP Exome Variant Server 0.00015.
gnomAD v4.1: 127 of 1,610,966 alleles (0.0079%); highest among the groups gnomAD compares: Non-Finnish European, 0.011%; no homozygotes.

Submissions (6):

Labcorp Genetics (formerly Invitae), Labcorp
Classification: Likely benign. Last evaluated: 2025-10-08. Review status: criteria provided, single submitter. Criteria: Invitae Variant Classification Sherloc (09022015). Collection method: clinical testing. Allele origin: germline.

Fulgent Genetics
Classification: Uncertain significance for Junctional epidermolysis bullosa with pyloric atresia; Epidermolysis bullosa, junctional 5A, intermediate. Last evaluated: 2022-03-23. Review status: criteria provided, single submitter. Criteria: ACMG Guidelines, 2015. Collection method: clinical testing. Allele origin: unknown.

GeneDx
Classification: Uncertain significance. Last evaluated: 2020-03-18. Review status: criteria provided, single submitter. Criteria: GeneDx Variant Classification Process June 2021. Collection method: clinical testing. Allele origin: germline. Affected: yes.
Comment: Has not been previously published as pathogenic or benign to our knowledge; In silico analysis, which includes splice predictors and evolutionary conservation, suggests this variant may impact gene splicing. In the absence of RNA/functional studies, the actual effect of this sequence change is unknown.

PreventionGenetics, part of Exact Sciences
Classification: Likely benign for ITGB4-related condition. Last evaluated: 2024-01-12. Review status: no assertion criteria provided. Collection method: clinical testing. Allele origin: germline. Not counted in ClinVar's aggregate classification.
Comment: This variant is classified as likely benign based on ACMG/AMP sequence variant interpretation guidelines (Richards et al. 2015 PMID: 25741868, with internal and published modifications).

Dr. Peter K. Rogan Lab, Western University
No classification provided (evidence only). Condition: Lung cancer. Review status: no classification provided. Collection method: in vitro. Allele origin: not applicable. Functional consequence: retained intron. Not counted in ClinVar's aggregate classification.

Dr. Peter K. Rogan Lab, Western University
No classification provided (evidence only). Condition: Ovarian serous cystadenocarcinoma. Review status: no classification provided. Collection method: in vitro. Allele origin: not applicable. Functional consequence: retained intron. Not counted in ClinVar's aggregate classification.